The following is an entry in ClinVar:

ClinVar aggregate classification (germline): Likely benign (1 of 4 stars; one submission).

Allele frequency attached by ClinVar (database versions not stated): 1000 Genomes Project 0.00040; 1000 Genomes Project 30x 0.00062; ESP Exome Variant Server 0.00154; TOPMed 0.00168; gnomAD 0.00175; ExAC 0.00195; gnomAD exomes 0.00260.
gnomAD v4.1: 3,983 of 1,614,190 alleles (0.25%); highest among the groups gnomAD compares: Non-Finnish European, 0.32%; 5 homozygotes.

Submission:

CeGaT Center for Human Genetics Tuebingen
Classification: Likely benign. Last evaluated: 2023-03-01. Review status: criteria provided, single submitter. Criteria: CeGaT Center For Human Genetics Tuebingen Variant Classification Criteria Version 2. Collection method: clinical testing. Allele origin: germline. Affected: yes. Observed: 2 variant alleles.
Comment: CKM: BP4, BP7

NM_001824.5(CKM):c.63C>T (p.Pro21=)

Gene: CKM (creatine kinase, M-type; minus strand). Cytogenetic location: 19q13.32.
Variant type: single nucleotide variant.
Coding change: c.63C>T on transcript NM_001824.5 (MANE Select); coding-DNA position 63, C replaced by T.
Protein change: p.Pro21=; no amino-acid change (proline 21 retained).
Molecular consequence: synonymous variant.
Genome position (GRCh38, 1-based): chr19:45,319,651, G>A on the plus strand (C>T on the coding strand, the complement: CKM is on the minus strand). VCF-style: chr19-45319651-G-A. GRCh37 (hg19) VCF-style: chr19-45822909-G-A.
Identifiers: ClinVar variation 2650098 (VCV002650098.24), dbSNP rs138224618, ClinGen allele CA9511874.